The following is an entry in ClinVar:

ClinVar aggregate classification (germline): Conflicting classifications of pathogenicity. Review status: criteria provided, conflicting classifications (1 of 4 stars). 5 submissions from 5 submitters: Uncertain significance (4); Likely benign (1). Last evaluated 2026-01-22.

Conditions:
Inborn genetic diseases. Identifiers: MedGen C0950123, MeSH D030342.
Malignant hyperthermia, susceptibility to, 1 (MHS1). Also called: RYR1-Related Malignant Hyperthermia Susceptibility; Anesthesia related hyperthermia; Malignant hyperpyrexia; Fulminating hyperpyrexia; Pharmacogenic myopathy; Malignant hyperthermia suceptibility 1. Identifiers: Orphanet 423, MedGen C2930980, MONDO:0007783, OMIM 145600.
RYR1-related disorder. Also called: RYR1-related disorders; RYR1-related condition. Identifiers: MedGen CN239331.

Allele frequency attached by ClinVar (database versions not stated): gnomAD exomes below 0.00001.
gnomAD v4.1: 6 of 1,614,056 alleles (0.00037%); highest among the groups gnomAD compares: Non-Finnish European, 0.00042%; no homozygotes.

Submissions (5):

Labcorp Genetics (formerly Invitae), Labcorp
Classification: Uncertain significance for RYR1-related disorder. Last evaluated: 2026-01-22. Review status: criteria provided, single submitter. Criteria: Invitae Variant Classification Sherloc (09022015). Collection method: clinical testing. Allele origin: germline.
Comment: This sequence change replaces valine, which is neutral and non-polar, with methionine, which is neutral and non-polar, at codon 4153 of the RYR1 protein (p.Val4153Met). This variant is present in population databases (no rsID available, gnomAD 0.0009%). This variant has not been reported in the literature in individuals affected with RYR1-related conditions. ClinVar contains an entry for this variant (Variation ID: 478173). Invitae Evidence Modeling of protein sequence and biophysical properties (such as structural, functional, and spatial information, amino acid conservation, physicochemical variation, residue mobility, and thermodynamic stability) indicates that this missense variant is not expected to disrupt RYR1 protein function with a negative predictive value of 95%. In summary, the available evidence is currently insufficient to determine the role of this variant in disease. Therefore, it has been classified as a Variant of Uncertain Significance.

Ambry Genetics
Classification: Uncertain significance for Inborn genetic diseases. Last evaluated: 2024-12-05. Review status: criteria provided, single submitter. Criteria: Ambry Variant Classification Scheme 2023. Collection method: clinical testing. Allele origin: germline.

All of Us Research Program, National Institutes of Health
Classification: Uncertain significance for Malignant hyperthermia, susceptibility to, 1. Last evaluated: 2024-09-13. Review status: criteria provided, single submitter. Criteria: ACMG Guidelines, 2015. Collection method: clinical testing. Allele origin: germline. Inheritance: Autosomal dominant inheritance. Observed: 1 variant allele, 1 heterozygote.
Comment: This missense variant replaces valine with methionine at codon 4153 of the RYR1 protein. Computational prediction suggests that this variant may not impact protein structure and function (internally defined REVEL score threshold <= 0.5, PMID: 27666373). To our knowledge, functional studies have not been reported for this variant. This variant has not been reported in individuals affected with RYR1-related disorders in the literature. This variant has been identified in 1/251154 chromosomes in the general population by the Genome Aggregation Database (gnomAD). The available evidence is insufficient to determine the role of this variant in disease conclusively. Therefore, this variant is classified as a Variant of Uncertain Significance.

This study involves interpretation of variants in research participants for the purpose of population health screening. Participant phenotype was not available at the time of variant classification. Additional details can be found in publication PMID: 35346344, PMCID: PMC8962531

Color Diagnostics, LLC DBA Color Health
Classification: Uncertain significance for Malignant hyperthermia, susceptibility to, 1. Last evaluated: 2024-07-16. Review status: criteria provided, single submitter. Criteria: ACMG Guidelines, 2015. Collection method: clinical testing. Allele origin: germline.
Comment: This missense variant replaces valine with methionine at codon 4153 of the RYR1 protein. Computational prediction suggests that this variant may not impact protein structure and function. To our knowledge, functional studies have not been reported for this variant. This variant has not been reported in individuals affected with RYR1-related disorders in the literature. This variant has been identified in 1/251154 chromosomes in the general population by the Genome Aggregation Database (gnomAD). The available evidence is insufficient to determine the role of this variant in disease conclusively. Therefore, this variant is classified as a Variant of Uncertain Significance.

Blueprint Genetics
Classification: Likely benign. Last evaluated: 2023-06-05. Review status: criteria provided, single submitter. Criteria: ACMG Guidelines, 2015. Collection method: clinical testing. Allele origin: germline.

NM_000540.3(RYR1):c.12457G>A (p.Val4153Met)

Gene: RYR1 (ryanodine receptor 1; plus strand). Cytogenetic location: 19q13.2.
Variant type: single nucleotide variant.
Coding change: c.12457G>A on transcript NM_000540.3 (MANE Select); coding-DNA position 12457, G replaced by A.
Protein change: p.Val4153Met; replaces valine 4153 with methionine.
Molecular consequence: missense variant.
Genome position (GRCh38, 1-based): chr19:38,561,287, G>A. VCF-style: chr19-38561287-G-A. GRCh37 (hg19) VCF-style: chr19-39051927-G-A.
Other names: c.12442G>A, p.Val4148Met (NM_001042723.2); short protein forms V4153M, V4148M.
Identifiers: ClinVar variation 478173 (VCV000478173.9), dbSNP rs890526256, ClinGen allele CA308105760.